The following is an entry in ClinVar:

ClinVar aggregate classification (germline): Conflicting classifications of pathogenicity. Review status: criteria provided, conflicting classifications (1 of 4 stars). 3 submissions from 3 submitters: Uncertain significance (1); Likely benign (2). Last evaluated 2024-10-09.

Conditions:
Hereditary hemochromatosis (HFE). Identifiers: MedGen C0392514, MONDO:0006507. Disease mechanism: loss of function.
Hemochromatosis type 1 (HFE1). Also called: HFE-Associated Hereditary Hemochromatosis; HFE-Related Hemochromatosis. Identifiers: Orphanet 465508, MedGen C3469186, MONDO:0021001, OMIM 235200. Disease mechanism: loss of function.

Allele frequency attached by ClinVar (database versions not stated): gnomAD 0.00003; ESP Exome Variant Server 0.00008; gnomAD exomes 0.00008 and 0.00014; TOPMed 0.00004; ExAC 0.00017.
gnomAD v4.1: 127 of 1,613,834 alleles (0.0079%); highest among the groups gnomAD compares: Admixed American, 0.013%; 1 homozygote.

Submissions (3):

Blueprint Genetics
Classification: Likely benign. Last evaluated: 2024-10-09. Review status: criteria provided, single submitter. Criteria: ACMG Guidelines, 2015. Collection method: clinical testing. Allele origin: germline.

Labcorp Genetics (formerly Invitae), Labcorp
Classification: Likely benign for Hereditary hemochromatosis. Last evaluated: 2022-11-24. Review status: criteria provided, single submitter. Criteria: Invitae Variant Classification Sherloc (09022015). Collection method: clinical testing. Allele origin: germline.

Illumina Laboratory Services, Illumina
Classification: Uncertain significance for Hemochromatosis type 1. Last evaluated: 2017-04-27. Review status: criteria provided, single submitter. Criteria: ICSL Variant Classification Criteria 13 December 2019. Collection method: clinical testing. Allele origin: germline.
Comment: This variant was observed as part of a predisposition screen in an ostensibly healthy population. A literature search was performed for the gene, cDNA change, and amino acid change (where applicable). Publications were found based on this search. However, the evidence from the literature, in combination with allele frequency data from public databases where available, was not sufficient to rule this variant in or out of causing disease. Therefore, this variant is classified as a variant of unknown significance.

Literature cited by the submitters: PubMed 9858853 (cited by Illumina Laboratory Services, Illumina).

NM_000410.4(HFE):c.-7T>C

Genes: HFE (homeostatic iron regulator; plus strand), HFE-AS1 (HFE antisense RNA 1; minus strand). Cytogenetic location: 6p22.2.
Variant type: single nucleotide variant.
Coding change: c.-7T>C on transcript NM_000410.4 (MANE Select); 7 bases upstream of the start codon, T replaced by C.
Molecular consequence: 5 prime UTR variant. On other transcripts: non-coding transcript variant (1).
Genome position (GRCh38, 1-based): chr6:26,087,434, T>C. VCF-style: chr6-26087434-T-C. GRCh37 (hg19) VCF-style: chr6-26087662-T-C.
Other names: c.-7T>C (NM_001300749.3, NM_001384164.1, NM_001406751.1 and 9 more transcripts).
Identifiers: ClinVar variation 906712 (VCV000906712.14), dbSNP rs369807746, ClinGen allele CA3666545.